The following is an entry in ClinVar:

NM_002972.4(SBF1):c.5489A>G (p.Lys1830Arg)

Gene: SBF1 (SET binding factor 1; minus strand). Cytogenetic location: 22q13.33.
Variant type: single nucleotide variant.
Coding change: c.5489A>G on transcript NM_002972.4 (MANE Select); coding-DNA position 5489, A replaced by G.
Protein change: p.Lys1830Arg; replaces lysine 1830 with arginine.
Molecular consequence: missense variant.
Genome position (GRCh38, 1-based): chr22:50,447,416, T>C on the plus strand (A>G on the coding strand, the complement: SBF1 is on the minus strand). VCF-style: chr22-50447416-T-C. GRCh37 (hg19) VCF-style: chr22-50885845-T-C.
Other names: c.5414A>G, p.Lys1805Arg (NM_001365819.1); c.5489A>G (NM_002972.2); short protein forms K1830R, K1805R.
Identifiers: ClinVar variation 1422023 (VCV001422023.4), dbSNP rs749924188, ClinGen allele CA10315814.

ClinVar aggregate classification (germline): Uncertain significance. Review status: criteria provided, multiple submitters, no conflicts (2 of 4 stars). 2 submissions from 2 submitters: Uncertain significance (2). Last evaluated 2024-07-09.

Allele frequency attached by ClinVar (database versions not stated): gnomAD 0.00001; TOPMed 0.00007.
gnomAD v4.1: 46 of 1,613,796 alleles (0.0029%); highest among the groups gnomAD compares: Admixed American, 0.005%; no homozygotes.

Submissions (2):

Ambry Genetics
Classification: Uncertain significance. Last evaluated: 2024-07-09. Review status: criteria provided, single submitter. Criteria: Ambry Variant Classification Scheme 2023. Collection method: clinical testing. Allele origin: germline.

Labcorp Genetics (formerly Invitae), Labcorp
Classification: Uncertain significance. Last evaluated: 2022-06-20. Review status: criteria provided, single submitter. Criteria: Invitae Variant Classification Sherloc (09022015). Collection method: clinical testing. Allele origin: germline.
Comment: This sequence change replaces lysine, which is basic and polar, with arginine, which is basic and polar, at codon 1830 of the SBF1 protein (p.Lys1830Arg). This variant is present in population databases (rs749924188, gnomAD 0.0009%). This variant has not been reported in the literature in individuals affected with SBF1-related conditions. Algorithms developed to predict the effect of missense changes on protein structure and function are either unavailable or do not agree on the potential impact of this missense change (SIFT: "Tolerated"; PolyPhen-2: "Probably Damaging"; Align-GVGD: "Class C0"). In summary, the available evidence is currently insufficient to determine the role of this variant in disease. Therefore, it has been classified as a Variant of Uncertain Significance.